The following is an entry in ClinVar:

NM_058195.4(CDKN2A):c.62G>A (p.Arg21Lys)

Gene: CDKN2A (cyclin dependent kinase inhibitor 2A; minus strand). Cytogenetic location: 9p21.3.
Variant type: single nucleotide variant.
Coding change: c.62G>A on transcript NM_058195.4 (MANE Plus Clinical); coding-DNA position 62, G replaced by A.
Protein change: p.Arg21Lys; replaces arginine 21 with lysine.
Molecular consequence: missense variant. On other transcripts: intron variant (1).
Genome position (GRCh38, 1-based): chr9:21,994,270, C>T on the plus strand (G>A on the coding strand, the complement: CDKN2A is on the minus strand). VCF-style: chr9-21994270-C-T. GRCh37 (hg19) VCF-style: chr9-21994269-C-T.
Other names: c.-4+551G>A (NM_001363763.2); short protein forms R21K.
Identifiers: ClinVar variation 371974 (VCV000371974.24), dbSNP rs1057517601, ClinGen allele CA16042111.

ClinVar aggregate classification (germline): Uncertain significance. Review status: criteria provided, multiple submitters, no conflicts (2 of 4 stars). 6 submissions from 6 submitters: Uncertain significance (5). 1 of the submissions does not count toward it. Last evaluated 2026-08-17.

Conditions:
Melanoma-pancreatic cancer syndrome. Identifiers: Orphanet 404560, MedGen C1838547, MONDO:0011713, OMIM 606719. Disease mechanism: loss of function.
Familial melanoma. Also called: Hereditary melanoma; Hereditary cutaneous melanoma. Identifiers: Orphanet 618, MedGen C1512419, MONDO:0018961.
CDKN2A-related disorder. Also called: CDKN2A-related condition.
Hereditary cancer-predisposing syndrome. Also called: Neoplastic Syndromes, Hereditary; Hereditary neoplastic syndrome; Hereditary Cancer Syndrome; Tumor predisposition. Identifiers: Orphanet 140162, MedGen C0027672, MeSH D009386, MONDO:0015356.

Allele frequency attached by ClinVar (database versions not stated): gnomAD exomes 0.00001; TOPMed 0.00001.
gnomAD v4.1: 9 of 1,604,864 alleles (0.00056%); highest among the groups gnomAD compares: Non-Finnish European, 0.00076%; no homozygotes.

Submissions (6):

PreventionGenetics, part of Exact Sciences
Classification: Uncertain significance for CDKN2A-related condition. Last evaluated: 2026-08-17. Review status: criteria provided, single submitter. Criteria: ACMG Guidelines, 2015. Collection method: clinical testing. Allele origin: germline.
Comment: The CDKN2A c.-19443G>A variant is located in the 5' untranslated region. This variant is also known as c.62G>A (p.Arg21Lys) under the p14ARF transcript NM_058195.4. This variant has been reported in the literature in individuals with cutaneous melanoma (Wadt et al. 2015. PubMed ID: 25803691; Taylor et al. 2017. PubMed ID: 28830827). This variant is reported in 0.0019% of alleles in individuals of European (Non-Finnish) descent in gnomAD. This variant is interpreted as uncertain in ClinVar (Variation ID: 371974). At this time, the clinical significance of this variant is uncertain due to the absence of conclusive functional and genetic evidence.

Ambry Genetics
Classification: Uncertain significance for Hereditary cancer-predisposing syndrome. Last evaluated: 2024-07-01. Review status: criteria provided, single submitter. Criteria: Ambry Variant Classification Scheme 2023. Collection method: clinical testing. Allele origin: germline.
Comment: The p.R21K variant (also known as c.62G>A), located in coding exon 1 of the CDKN2A (p14ARF) gene, results from a G to A substitution at nucleotide position 62. The arginine at codon 21 is replaced by lysine, an amino acid with highly similar properties. This amino acid position is well conserved in available vertebrate species. Based on the available evidence, the clinical significance of this variant remains unclear.

Myriad Genetics, Inc.
Classification: Uncertain significance for Melanoma-pancreatic cancer syndrome. Last evaluated: 2023-04-21. Review status: criteria provided, single submitter. Criteria: Myriad Autosomal Dominant, Autosomal Recessive and X-Linked Classification Criteria (2023). Collection method: clinical testing. Allele origin: unknown.
Comment: This variant is classified as a variant of uncertain significance as there is insufficient evidence to determine its impact on protein function and/or cancer risk.

Sema4
Classification: Uncertain significance for Hereditary cancer-predisposing syndrome. Last evaluated: 2021-11-23. Review status: criteria provided, single submitter. Criteria: Sema4 Curation Guidelines. Collection method: curation. Allele origin: germline.
Comment: The CDKN2A c.62G>A (p.R21K) variant has been reported in heterozygosity in at least two individuals or families with melanoma (PMID: 25803691, 28830827). It was observed in 2/106176 chromosomes of the Non-Finnish European subpopulation in the large and broad cohorts of the Genome Aggregation Database (PMID: 32461654). The variant has been reported in ClinVar (Variation ID 371974). In silico tools suggest the impact of the variant on protein function is deleterious, though these predictions have not been confirmed by functional studies. The evidence is insufficient to meet ACMG/AMP criteria for classifying the variant as benign or pathogenic. Thus, the clinical significance of this variant is currently uncertain.

Labcorp Genetics (formerly Invitae), Labcorp
Classification: Uncertain significance for Familial melanoma. Last evaluated: 2021-09-07. Review status: criteria provided, single submitter. Criteria: Invitae Variant Classification Sherloc (09022015). Collection method: clinical testing. Allele origin: germline.
Comment: This sequence change replaces arginine with lysine at codon 21 of the CDKN2A (p14ARF) protein (p.Arg21Lys). The arginine residue is highly conserved and there is a small physicochemical difference between arginine and lysine. This variant is not present in population databases (ExAC no frequency). This missense change has been observed in individual(s) with cutaneous melanoma (PMID: 25803691, 28830827). ClinVar contains an entry for this variant (Variation ID: 371974). Algorithms developed to predict the effect of missense changes on protein structure and function (SIFT, PolyPhen-2, Align-GVGD) all suggest that this variant is likely to be disruptive. In summary, the available evidence is currently insufficient to determine the role of this variant in disease. Therefore, it has been classified as a Variant of Uncertain Significance.

Counsyl
Classification: Uncertain significance for Melanoma-pancreatic cancer syndrome. Last evaluated: 2016-09-20. Review status: no assertion criteria provided. Collection method: clinical testing. Allele origin: unknown. Not counted in ClinVar's aggregate classification.

Literature cited by the submitters: PubMed 25803691 (cited by 4 submitters); PubMed 28830827 (cited by Sema4 and Labcorp Genetics (formerly Invitae), Labcorp).